The following is an entry in ClinVar:

ClinVar aggregate classification (germline): Benign (1 of 4 stars; one submission).

Conditions:
Posterior column ataxia-retinitis pigmentosa syndrome (RETSNS). Also called: RETINOPATHY-SENSORY NEUROPATHY SYNDROME. Identifiers: Orphanet 88628, MedGen C1836916, MONDO:0012177, OMIM 609033.

Allele frequency attached by ClinVar (database versions not stated): 1000 Genomes Project 0.01697; TOPMed 0.01804; gnomAD 0.01484; 1000 Genomes Project 30x 0.01796.

Submission:

Illumina Laboratory Services, Illumina
Classification: Benign for Posterior column ataxia-retinitis pigmentosa syndrome. Last evaluated: 2018-01-13. Review status: criteria provided, single submitter. Criteria: ICSL Variant Classification Criteria 13 December 2019. Collection method: clinical testing. Allele origin: germline.
Comment: This variant was observed in the ICSL laboratory as part of a predisposition screen in an ostensibly healthy population. It had not been previously curated by ICSL or reported in the Human Gene Mutation Database (HGMD: prior to June 1st, 2018), and was therefore a candidate for classification through an automated scoring system. Utilizing variant allele frequency, disease prevalence and penetrance estimates, and inheritance mode, an automated score was calculated to assess if this variant is too frequent to cause the disease. Based on the score and internal cut-off values, a variant classified as benign is not then subjected to further curation. The score for this variant resulted in a classification of benign for this disease.

NM_017791.3(FLVCR2):c.*1098C>A

Gene: FLVCR2 (FLVCR choline and putative heme transporter 2; plus strand). Cytogenetic location: 14q24.3.
Variant type: single nucleotide variant.
Coding change: c.*1098C>A on transcript NM_017791.3 (MANE Select); 1098 bases downstream of the stop codon, C replaced by A.
Molecular consequence: 3 prime UTR variant.
Genome position (GRCh38, 1-based): chr14:75,647,570, C>A. VCF-style: chr14-75647570-C-A. GRCh37 (hg19) VCF-style: chr14-76113913-C-A.
Other names: c.*1098C>A (NM_001195283.2).
Identifiers: ClinVar variation 314431 (VCV000314431.5), dbSNP rs8017287, ClinGen allele CA10644958.